The following is an entry in ClinVar:

ClinVar aggregate classification (germline): Benign/Likely benign. Review status: criteria provided, multiple submitters, no conflicts (2 of 4 stars). 4 submissions from 4 submitters: Benign (1); Likely benign (3). Last evaluated 2024-11-21.

Conditions:
Familial melanoma. Also called: Hereditary melanoma; Hereditary cutaneous melanoma. Identifiers: Orphanet 618, MedGen C1512419, MONDO:0018961.
Hereditary cancer-predisposing syndrome. Also called: Tumor predisposition; Hereditary neoplastic syndrome; Neoplastic Syndromes, Hereditary; Hereditary Cancer Syndrome. Identifiers: Orphanet 140162, MedGen C0027672, MeSH D009386, MONDO:0015356.
Melanoma, cutaneous malignant, susceptibility to, 3. Also called: Cutaneous malignant melanoma 3. Identifiers: Orphanet 618, MedGen C1836892, MONDO:0012183, OMIM 609048.

Allele frequency attached by ClinVar (database versions not stated): gnomAD exomes below 0.00001 and 0.00001; TOPMed below 0.00001; gnomAD 0.00001; ExAC 0.00002.
gnomAD v4.1: 3 of 1,614,118 alleles (0.00019%); highest among the groups gnomAD compares: Non-Finnish European, 0.00025%; no homozygotes.

Submissions (4):

Labcorp Genetics (formerly Invitae), Labcorp
Classification: Likely benign for Familial melanoma. Last evaluated: 2024-11-21. Review status: criteria provided, single submitter. Criteria: Invitae Variant Classification Sherloc (09022015). Collection method: clinical testing. Allele origin: germline.

Myriad Genetics, Inc.
Classification: Benign for Melanoma, cutaneous malignant, susceptibility to, 3. Last evaluated: 2024-09-25. Review status: criteria provided, single submitter. Criteria: Myriad Autosomal Dominant, Autosomal Recessive and X-Linked Classification Criteria (2023). Collection method: clinical testing. Allele origin: unknown.
Comment: This variant is considered benign. This variant is a silent/synonymous amino acid change and it is not expected to impact splicing.

Ambry Genetics
Classification: Likely benign for Hereditary cancer-predisposing syndrome. Last evaluated: 2019-08-21. Review status: criteria provided, single submitter. Criteria: Ambry Variant Classification Scheme 2023. Collection method: clinical testing. Allele origin: germline.

GeneDx
Classification: Likely benign. Last evaluated: 2019-02-20. Review status: criteria provided, single submitter. Criteria: GeneDx Variant Classification Process June 2021. Collection method: clinical testing. Allele origin: germline. Affected: yes.

NM_000075.4(CDK4):c.288A>G (p.Val96=)

Gene: CDK4 (cyclin dependent kinase 4; minus strand). Cytogenetic location: 12q14.1.
Variant type: single nucleotide variant.
Coding change: c.288A>G on transcript NM_000075.4 (MANE Select); coding-DNA position 288, A replaced by G.
Protein change: p.Val96=; no amino-acid change (valine 96 retained).
Molecular consequence: synonymous variant.
Genome position (GRCh38, 1-based): chr12:57,751,273, T>C on the plus strand (A>G on the coding strand, the complement: CDK4 is on the minus strand). VCF-style: chr12-57751273-T-C. GRCh37 (hg19) VCF-style: chr12-58145056-T-C.
Other names: c.288A>G (LRG_490t1).
Identifiers: ClinVar variation 379015 (VCV000379015.15), dbSNP rs754092304, ClinGen allele CA6657849.